The following is an entry in ClinVar:

NM_001080517.3(SETD5):c.1304T>C (p.Ile435Thr)

Gene: SETD5 (SET domain containing 5; plus strand). Cytogenetic location: 3p25.3.
Variant type: single nucleotide variant.
Coding change: c.1304T>C on transcript NM_001080517.3 (MANE Select); coding-DNA position 1304, T replaced by C.
Protein change: p.Ile435Thr; replaces isoleucine 435 with threonine.
Molecular consequence: missense variant.
Genome position (GRCh38, 1-based): chr3:9,445,164, T>C. VCF-style: chr3-9445164-T-C. GRCh37 (hg19) VCF-style: chr3-9486848-T-C.
Other names: c.1010T>C, p.Ile337Thr (NM_001292043.2, NM_001349451.2); short protein forms I337T, I435T.
Identifiers: ClinVar variation 1804185 (VCV001804185.5), dbSNP rs748957659, ClinGen allele CA2239132.

ClinVar aggregate classification (germline): Uncertain significance. Review status: criteria provided, multiple submitters, no conflicts (2 of 4 stars). 2 submissions from 2 submitters: Uncertain significance (2). Last evaluated 2025-04-15.

Allele frequency attached by ClinVar (database versions not stated): gnomAD exomes 0.00002; ExAC 0.00001; gnomAD 0.00001; TOPMed 0.00005.
gnomAD v4.1: 27 of 1,613,836 alleles (0.0017%); highest among the groups gnomAD compares: Admixed American, 0.005%; no homozygotes.

Submissions (2):

GeneDx
Classification: Uncertain significance. Last evaluated: 2025-04-15. Review status: criteria provided, single submitter. Criteria: GeneDx Variant Classification Process June 2021. Collection method: clinical testing. Allele origin: germline.
Comment: Not observed at significant frequency in large population cohorts (gnomAD); In silico analysis indicates that this missense variant does not alter protein structure/function; Has not been previously published as pathogenic or benign to our knowledge

Labcorp Genetics (formerly Invitae), Labcorp
Classification: Uncertain significance. Last evaluated: 2024-10-22. Review status: criteria provided, single submitter. Criteria: Invitae Variant Classification Sherloc (09022015). Collection method: clinical testing. Allele origin: germline.
Comment: This sequence change replaces isoleucine, which is neutral and non-polar, with threonine, which is neutral and polar, at codon 435 of the SETD5 protein (p.Ile435Thr). This variant is present in population databases (rs748957659, gnomAD 0.003%). This variant has not been reported in the literature in individuals affected with SETD5-related conditions. ClinVar contains an entry for this variant (Variation ID: 1804185). Invitae Evidence Modeling of protein sequence and biophysical properties (such as structural, functional, and spatial information, amino acid conservation, physicochemical variation, residue mobility, and thermodynamic stability) indicates that this missense variant is not expected to disrupt SETD5 protein function with a negative predictive value of 80%. In summary, the available evidence is currently insufficient to determine the role of this variant in disease. Therefore, it has been classified as a Variant of Uncertain Significance.